The following is an entry in ClinVar:

NM_001975.3(ENO2):c.866-10C>G

Gene: ENO2 (enolase 2; plus strand). Cytogenetic location: 12p13.31.
Variant type: single nucleotide variant.
Coding change: c.866-10C>G on transcript NM_001975.3 (MANE Select); 10 bases into the intron before coding-DNA position 866, C replaced by G.
Molecular consequence: intron variant.
Genome position (GRCh38, 1-based): chr12:6,921,571, C>G. VCF-style: chr12-6921571-C-G. GRCh37 (hg19) VCF-style: chr12-7030734-C-G.
Identifiers: ClinVar variation 4979731 (VCV004979731.1).

ClinVar aggregate classification (germline): Likely benign (1 of 4 stars; one submission).

Conditions:
ENO2-related disorder. Also called: ENO2-related condition.

gnomAD v4.1: 14 of 1,613,904 alleles (0.00087%); highest among the groups gnomAD compares: African/African-American, 0.0013%; no homozygotes.

Submission:

PreventionGenetics, part of Exact Sciences
Classification: Likely benign for ENO2-related condition. Last evaluated: 2026-03-20. Review status: criteria provided, single submitter. Criteria: ACMG Guidelines, 2015. Collection method: clinical testing. Allele origin: germline.
Comment: This variant is classified as likely benign based on ACMG/AMP sequence variant interpretation guidelines (Richards et al. 2015 PMID: 25741868, with internal and published modifications).